The following is an entry in ClinVar:

ClinVar aggregate classification (germline): Uncertain significance (1 of 4 stars; one submission).

Conditions:
Inborn genetic diseases. Identifiers: MedGen C0950123, MeSH D030342.

gnomAD v4.1: 4 of 1,614,188 alleles (0.00025%); highest among the groups gnomAD compares: Non-Finnish European, 0.00034%; no homozygotes.

Submission:

Ambry Genetics
Classification: Uncertain significance for Inborn genetic diseases. Last evaluated: 2024-12-22. Review status: criteria provided, single submitter. Criteria: Ambry Variant Classification Scheme 2023. Collection method: clinical testing. Allele origin: germline.
Comment: The p.L731R variant (also known as c.2192T>G), located in coding exon 13 of the ASXL1 gene, results from a T to G substitution at nucleotide position 2192. The leucine at codon 731 is replaced by arginine, an amino acid with dissimilar properties. This amino acid position is conserved. In addition, this alteration is predicted to be tolerated by in silico analysis. Based on the available evidence, the clinical significance of this variant remains unclear.

NM_015338.6(ASXL1):c.2192T>G (p.Leu731Arg)

Gene: ASXL1 (ASXL transcriptional regulator 1; plus strand). Cytogenetic location: 20q11.21.
Variant type: single nucleotide variant.
Coding change: c.2192T>G on transcript NM_015338.6 (MANE Select); coding-DNA position 2192, T replaced by G.
Protein change: p.Leu731Arg; replaces leucine 731 with arginine.
Molecular consequence: missense variant.
Genome position (GRCh38, 1-based): chr20:32,434,904, T>G. VCF-style: chr20-32434904-T-G. GRCh37 (hg19) VCF-style: chr20-31022707-T-G.
Other names: c.2009T>G, p.Leu670Arg (NM_001363734.1); short protein forms L731R, L670R.
Identifiers: ClinVar variation 3791608 (VCV003791608.1).